The following is an entry in ClinVar:

ClinVar aggregate classification (germline): Uncertain significance. Review status: criteria provided, multiple submitters, no conflicts (2 of 4 stars). 2 submissions from 2 submitters: Uncertain significance (2). Last evaluated 2025-08-20.

Conditions:
Inborn genetic diseases. Identifiers: MedGen C0950123, MeSH D030342.

Allele frequency attached by ClinVar (database versions not stated): gnomAD exomes 0.00002.
gnomAD v4.1: 48 of 1,613,946 alleles (0.003%); highest among the groups gnomAD compares: Non-Finnish European, 0.0038%; no homozygotes.

Submissions (2):

Ambry Genetics
Classification: Uncertain significance for Inborn genetic diseases. Last evaluated: 2025-08-20. Review status: criteria provided, single submitter. Criteria: Ambry Variant Classification Scheme 2023. Collection method: clinical testing. Allele origin: germline.

Labcorp Genetics (formerly Invitae), Labcorp
Classification: Uncertain significance. Last evaluated: 2021-09-26. Review status: criteria provided, single submitter. Criteria: Invitae Variant Classification Sherloc (09022015). Collection method: clinical testing. Allele origin: germline.
Comment: In summary, the available evidence is currently insufficient to determine the role of this variant in disease. Therefore, it has been classified as a Variant of Uncertain Significance. Algorithms developed to predict the effect of missense changes on protein structure and function are either unavailable or do not agree on the potential impact of this missense change (SIFT: "Deleterious"; PolyPhen-2: "Probably Damaging"; Align-GVGD: "Class C0"). This variant has not been reported in the literature in individuals affected with SDR9C7-related conditions. This variant is not present in population databases (ExAC no frequency). This sequence change replaces arginine with cysteine at codon 274 of the SDR9C7 protein (p.Arg274Cys). The arginine residue is highly conserved and there is a large physicochemical difference between arginine and cysteine.

NM_148897.3(SDR9C7):c.820C>T (p.Arg274Cys)

Gene: SDR9C7 (short chain dehydrogenase/reductase family 9C member 7; minus strand). Cytogenetic location: 12q13.3.
Variant type: single nucleotide variant.
Coding change: c.820C>T on transcript NM_148897.3 (MANE Select); coding-DNA position 820, C replaced by T.
Protein change: p.Arg274Cys; replaces arginine 274 with cysteine.
Molecular consequence: missense variant.
Genome position (GRCh38, 1-based): chr12:56,923,955, G>A on the plus strand (C>T on the coding strand, the complement: SDR9C7 is on the minus strand). VCF-style: chr12-56923955-G-A. GRCh37 (hg19) VCF-style: chr12-57317739-G-A.
Other names: c.820C>T (NM_148897.2); short protein forms R274C.
Identifiers: ClinVar variation 1397352 (VCV001397352.7), dbSNP rs894078139, ClinGen allele CA237700889.
Genomic context (GRCh38, chr12:56,923,955, plus strand): 5'-GCAACTTAGCCAGAGGGATGTAGAGGAGTTTGGCATCCAGGCCAGGGTTGTAGCGGATGC[G>A]AGGGCTCCGGGAAACAATAGCATGCTCCATGCTGTTGATGACATCTCTGACTCTGGGCTC-3'
Protein context (NP_683695.1, residues 264-284): MEHAIVSRSP[Arg274Cys]IRYNPGLDAK